The following is an entry in ClinVar:

ClinVar aggregate classification (germline): Uncertain significance (1 of 4 stars; one submission).

Conditions:
Charcot-Marie-Tooth disease type 2. Also called: Charcot-Marie-Tooth type 2. Identifiers: Orphanet 64746, MedGen C0270914, MONDO:0018993.

Submission:

Labcorp Genetics (formerly Invitae), Labcorp
Classification: Uncertain significance for Charcot-Marie-Tooth disease type 2. Last evaluated: 2024-03-16. Review status: criteria provided, single submitter. Criteria: Invitae Variant Classification Sherloc (09022015). Collection method: clinical testing. Allele origin: germline.
Comment: This sequence change replaces methionine, which is neutral and non-polar, with valine, which is neutral and non-polar, at codon 171 of the AARS protein (p.Met171Val). This variant is not present in population databases (gnomAD no frequency). This variant has not been reported in the literature in individuals affected with AARS-related conditions. Advanced modeling of protein sequence and biophysical properties (such as structural, functional, and spatial information, amino acid conservation, physicochemical variation, residue mobility, and thermodynamic stability) performed at Invitae indicates that this missense variant is not expected to disrupt AARS protein function with a negative predictive value of 80%. In summary, the available evidence is currently insufficient to determine the role of this variant in disease. Therefore, it has been classified as a Variant of Uncertain Significance.

NM_001605.3(AARS1):c.511A>G (p.Met171Val)

Gene: AARS1 (alanyl-tRNA synthetase 1; minus strand). Cytogenetic location: 16q22.1.
Variant type: single nucleotide variant.
Coding change: c.511A>G on transcript NM_001605.3 (MANE Select); coding-DNA position 511, A replaced by G.
Protein change: p.Met171Val; replaces methionine 171 with valine.
Molecular consequence: missense variant.
Genome position (GRCh38, 1-based): chr16:70,271,941, T>C on the plus strand (A>G on the coding strand, the complement: AARS1 is on the minus strand). VCF-style: chr16-70271941-T-C. GRCh37 (hg19) VCF-style: chr16-70305844-T-C.
Other names: short protein forms M171V.
Identifiers: ClinVar variation 3707076 (VCV003707076.2).